The following is an entry in ClinVar:

NM_182931.3(KMT2E):c.2848-1G>A

Gene: KMT2E (lysine methyltransferase 2E (inactive); plus strand). Cytogenetic location: 7q22.3.
Variant type: single nucleotide variant.
Coding change: c.2848-1G>A on transcript NM_182931.3 (MANE Select); the canonical splice acceptor site of the intron before coding-DNA position 2848, G replaced by A.
Molecular consequence: splice acceptor variant.
Genome position (GRCh38, 1-based): chr7:105,107,165, G>A. VCF-style: chr7-105107165-G-A. GRCh37 (hg19) VCF-style: chr7-104747612-G-A.
Other names: c.2848-1G>A (NM_001410908.1, NM_018682.4).
Identifiers: ClinVar variation 1029707 (VCV001029707.1), dbSNP rs1798939855, ClinGen allele CA368787787.

ClinVar aggregate classification (germline): Likely pathogenic (1 of 4 stars; one submission).

Conditions:
O'Donnell-Luria-Rodan syndrome (ODLURO). Also called: KMT2E-Related Neurodevelopmental Disorder. Identifiers: MedGen C5193138, MONDO:0032793, OMIM 618512.

Submission:

Baylor Genetics
Classification: Likely pathogenic for O'Donnell-Luria-Rodan syndrome. Last evaluated: 2020-05-05. Review status: criteria provided, single submitter. Criteria: ACMG Guidelines, 2015. Collection method: clinical testing. Allele origin: unknown. Affected: yes.
Comment: This variant was determined to be likely pathogenic according to ACMG Guidelines, 2015 [PMID:25741868].